The following is an entry in ClinVar:

NM_021942.6(TRAPPC11):c.2656T>A (p.Phe886Ile)

Gene: TRAPPC11 (trafficking protein particle complex subunit 11; plus strand). Cytogenetic location: 4q35.1.
Variant type: single nucleotide variant.
Coding change: c.2656T>A on transcript NM_021942.6 (MANE Select); coding-DNA position 2656, T replaced by A.
Protein change: p.Phe886Ile; replaces phenylalanine 886 with isoleucine.
Molecular consequence: missense variant.
Genome position (GRCh38, 1-based): chr4:183,697,530, T>A. VCF-style: chr4-183697530-T-A. GRCh37 (hg19) VCF-style: chr4-184618683-T-A.
Other names: c.2656T>A, p.Phe886Ile (NM_199053.3); short protein forms F886I.
Identifiers: ClinVar variation 703511 (VCV000703511.46), dbSNP rs376514277, ClinGen allele CA3152268.

ClinVar aggregate classification (germline): Likely benign. Review status: criteria provided, multiple submitters, no conflicts (2 of 4 stars). 3 submissions from 3 submitters: Likely benign (2). 1 of the submissions does not count toward it. Last evaluated 2026-01-13.

Conditions:
TRAPPC11-related disorder. Also called: TRAPPC11-related condition.
Autosomal recessive limb-girdle muscular dystrophy type R18 (LGMDR18). Also called: Limb-girdle muscular dystrophy, type 2S; MUSCULAR DYSTROPHY, LIMB-GIRDLE, AUTOSOMAL RECESSIVE 18; Autosomal recessive limb-girdle muscular dystrophy type 2S. Identifiers: Orphanet 369840, MedGen C4517996, MONDO:0014144, OMIM 615356.

Allele frequency attached by ClinVar (database versions not stated): ESP Exome Variant Server 0.00008; gnomAD 0.00009 and 0.00032; TOPMed 0.00010; gnomAD exomes 0.00047 and 0.00082; 1000 Genomes Project 30x 0.00078; ExAC 0.00093; 1000 Genomes Project 0.00100.
gnomAD v4.1: 717 of 1,604,494 alleles (0.045%); highest among the groups gnomAD compares: South Asian, 0.68%; 4 homozygotes.

Submissions (3):

Labcorp Genetics (formerly Invitae), Labcorp
Classification: Likely benign for Autosomal recessive limb-girdle muscular dystrophy type R18. Last evaluated: 2026-01-13. Review status: criteria provided, single submitter. Criteria: Invitae Variant Classification Sherloc (09022015). Collection method: clinical testing. Allele origin: germline.

CeGaT Center for Human Genetics Tuebingen
Classification: Likely benign. Last evaluated: 2023-10-01. Review status: criteria provided, single submitter. Criteria: CeGaT Center For Human Genetics Tuebingen Variant Classification Criteria Version 2. Collection method: clinical testing. Allele origin: germline. Affected: yes. Observed: 2 variant alleles.
Comment: TRAPPC11: BS1

PreventionGenetics, part of Exact Sciences
Classification: Likely benign for TRAPPC11-related condition. Last evaluated: 2021-03-09. Review status: no assertion criteria provided. Collection method: clinical testing. Allele origin: germline. Not counted in ClinVar's aggregate classification.
Comment: This variant is classified as likely benign based on ACMG/AMP sequence variant interpretation guidelines (Richards et al. 2015 PMID: 25741868, with internal and published modifications).